The following is an entry in ClinVar:

NM_000252.3(MTM1):c.1465_1468del (p.Gln489fs)

Gene: MTM1 (myotubularin 1; plus strand). Cytogenetic location: Xq28.
Variant type: Deletion.
Coding change: c.1465_1468del on transcript NM_000252.3 (MANE Select); coding-DNA positions 1465 to 1468, 4 bases deleted (ACAG; older notation c.1465_1468delACAG).
Protein change: p.Gln489fs; shifts the reading frame from glutamine 489.
Molecular consequence: frameshift variant.
Genome position (GRCh38, 1-based): chrX:150,660,481-150,660,484, ACAG deleted; deleting any 4 consecutive bases within chrX:150,660,479-150,660,484 gives the same sequence; the c. name uses the placement nearest the transcript's 3' end. VCF-style (leftmost placement, unchanged base first): chrX-150660478-AAGAC-A. GRCh37 (hg19) VCF-style: chrX-149828951-AAGAC-A.
Other names: c.1464_1467del (NM_000252.2); c.1465_1468del, p.Gln489fs (NM_001376906.1, NM_001376908.1); c.1354_1357del, p.Gln452fs (NM_001376907.1); short protein forms Q489fs, Q452fs.
Identifiers: ClinVar variation 158941 (VCV000158941.8), dbSNP rs587783797, ClinGen allele CA271831.
Genomic context (GRCh38, chrX:150,660,478, plus strand): 5'-GGATCATCTGTATAGTTGCCGATTTGGTACTTTCTTATTCAACTGTGAATCTGCTCGAGA[AAGAC>A]AGGTGAGTTAAAATGCTATTTTTTTTGATACATTAGGCTTGCCAAAATGTATGTAGTCTA-3'

ClinVar aggregate classification (germline): Pathogenic/Likely pathogenic. Review status: criteria provided, multiple submitters, no conflicts (2 of 4 stars). 2 submissions from 2 submitters: Pathogenic (1); Likely pathogenic (1). Last evaluated 2020-08-24.

Conditions:
Severe X-linked myotubular myopathy (CNMX). Also called: MYOTUBULAR MYOPATHY 1; X-linked centronuclear myopathy; Myotubular myopathy, X-linked. Identifiers: Orphanet 596, MedGen C0410203, MONDO:0010683, OMIM 310400.

Submissions (2):

GeneDx
Classification: Likely pathogenic. Last evaluated: 2020-08-24. Review status: criteria provided, single submitter. Criteria: GeneDx Variant Classification Process June 2021. Collection method: clinical testing. Allele origin: germline. Affected: yes.
Comment: Frameshift variant predicted to result in protein truncation or nonsense mediated decay in a gene for which loss-of-function is a known mechanism of disease; Not observed in large population cohorts (Lek et al., 2016); This variant is associated with the following publications: (PMID: 10502779)

Genetic Services Laboratory, University of Chicago
Classification: Pathogenic for Myotubular myopathy, X-linked. Last evaluated: 2013-02-08. Review status: criteria provided, single submitter. Criteria: ACMG Guidelines, 2007. Collection method: clinical testing. Allele origin: germline. Inheritance: X-linked inheritance. Affected: yes.